The following is an entry in ClinVar:

ClinVar aggregate classification (germline): Uncertain significance (1 of 4 stars; one submission).

Conditions:
Osteogenesis imperfecta type I (OI1). Also called: Osteogenesis imperfecta type 1; Lobstein's Disease; Classic Non-deforming Osteogenesis Imperfecta with Blue Sclerae; OI, TYPE I; OSTEOGENESIS IMPERFECTA TARDA; OSTEOGENESIS IMPERFECTA WITH BLUE SCLERAE. Identifiers: Orphanet 216796, Orphanet 666, MedGen C0023931, MONDO:0008146, OMIM 166200. Disease mechanism: loss of function.

Allele frequency attached by ClinVar (database versions not stated): gnomAD exomes below 0.00001.
gnomAD v4.1: 3 of 1,613,756 alleles (0.00019%); highest among the groups gnomAD compares: South Asian, 0.0011%; no homozygotes.

Submission:

Labcorp Genetics (formerly Invitae), Labcorp
Classification: Uncertain significance for Osteogenesis imperfecta type I. Last evaluated: 2023-10-28. Review status: criteria provided, single submitter. Criteria: Invitae Variant Classification Sherloc (09022015). Collection method: clinical testing. Allele origin: germline.
Comment: This sequence change replaces proline, which is neutral and non-polar, with serine, which is neutral and polar, at codon 997 of the COL1A1 protein (p.Pro997Ser). This variant is not present in population databases (gnomAD no frequency). This variant has not been reported in the literature in individuals affected with COL1A1-related conditions. Advanced modeling of protein sequence and biophysical properties (such as structural, functional, and spatial information, amino acid conservation, physicochemical variation, residue mobility, and thermodynamic stability) has been performed at Invitae for this missense variant, however the output from this modeling did not meet the statistical confidence thresholds required to predict the impact of this variant on COL1A1 protein function. In summary, the available evidence is currently insufficient to determine the role of this variant in disease. Therefore, it has been classified as a Variant of Uncertain Significance.

NM_000088.4(COL1A1):c.2989C>T (p.Pro997Ser)

Gene: COL1A1 (collagen type I alpha 1 chain; minus strand). Cytogenetic location: 17q21.33.
Variant type: single nucleotide variant.
Coding change: c.2989C>T on transcript NM_000088.4 (MANE Select); coding-DNA position 2989, C replaced by T.
Protein change: p.Pro997Ser; replaces proline 997 with serine.
Molecular consequence: missense variant.
Genome position (GRCh38, 1-based): chr17:50,188,959, G>A on the plus strand (C>T on the coding strand, the complement: COL1A1 is on the minus strand). VCF-style: chr17-50188959-G-A. GRCh37 (hg19) VCF-style: chr17-48266320-G-A.
Other names: short protein forms P997S.
Identifiers: ClinVar variation 2905364 (VCV002905364.3), dbSNP rs2509180211, ClinGen allele CA400204012.